The following is an entry in ClinVar:

NM_000183.3(HADHB):c.246A>G (p.Ala82=)

Gene: HADHB (hydroxyacyl-CoA dehydrogenase trifunctional multienzyme complex subunit beta; plus strand). Cytogenetic location: 2p23.3.
Variant type: single nucleotide variant.
Coding change: c.246A>G on transcript NM_000183.3 (MANE Select); coding-DNA position 246, A replaced by G.
Protein change: p.Ala82=; no amino-acid change (alanine 82 retained).
Molecular consequence: synonymous variant. On other transcripts: intron variant (1).
Genome position (GRCh38, 1-based): chr2:26,269,989, A>G. VCF-style: chr2-26269989-A-G. GRCh37 (hg19) VCF-style: chr2-26492857-A-G.
Other names: p.Ala82=; c.180A>G, p.Ala60= (NM_001281513.2); c.210-3662A>G (NM_001281512.2).
Identifiers: ClinVar variation 92599 (VCV000092599.47), dbSNP rs151302743, ClinGen allele CA220472.
Genomic context (GRCh38, chr2:26,269,989, plus strand): 5'-AAATTACTGGTTTTCGTTCCCCAGATATAAAGACCTGATGCCACATGATTTGGCTAGAGC[A>G]GCGCTTACGTAAGTAAATGCAGTTTCATTTCCGTTCTTATTTCATTAAAGGCACTTTCTC-3'
Protein context (NP_000174.1, residues 72-92): KDLMPHDLAR[Ala82=]ALTGLLHRTS

ClinVar aggregate classification (germline): Conflicting classifications of pathogenicity. Review status: criteria provided, conflicting classifications (1 of 4 stars). 7 submissions from 7 submitters: Uncertain significance (1); Benign (2); Likely benign (4). Last evaluated 2026-09-01.

Conditions:
Mitochondrial trifunctional protein deficiency. Identifiers: Orphanet 746, MedGen C1969443, MONDO:0012172.

Allele frequency attached by ClinVar (database versions not stated): 1000 Genomes Project 30x 0.00016; 1000 Genomes Project 0.00020; ESP Exome Variant Server 0.00046; gnomAD 0.00070; TOPMed 0.00075; gnomAD exomes 0.00085 and 0.00099; ExAC 0.00090.

Submissions (7):

CeGaT Center for Human Genetics Tuebingen
Classification: Likely benign. Last evaluated: 2026-09-01. Review status: criteria provided, single submitter. Criteria: CeGaT Center For Human Genetics Tuebingen Variant Classification Criteria Version 2. Collection method: clinical testing. Allele origin: germline. Affected: yes. Observed: 7 variant alleles.
Comment: HADHB: BP4, BP7

Labcorp Genetics (formerly Invitae), Labcorp
Classification: Benign for Mitochondrial trifunctional protein deficiency. Last evaluated: 2026-02-02. Review status: criteria provided, single submitter. Criteria: Invitae Variant Classification Sherloc (09022015). Collection method: clinical testing. Allele origin: germline.

Blueprint Genetics
Classification: Likely benign. Last evaluated: 2024-11-18. Review status: criteria provided, single submitter. Criteria: ACMG Guidelines, 2015. Collection method: clinical testing. Allele origin: germline.

Mayo Clinic Laboratories, Mayo Clinic
Classification: Benign. Last evaluated: 2024-05-17. Review status: criteria provided, single submitter. Criteria: ACMG Guidelines, 2015. Collection method: clinical testing. Allele origin: germline. Observed: 3 variant alleles.
Comment: BS1, BS2, BP4, BP7

GeneDx
Classification: Likely benign. Last evaluated: 2021-03-08. Review status: criteria provided, single submitter. Criteria: GeneDx Variant Classification Process June 2021. Collection method: clinical testing. Allele origin: germline. Affected: yes.

Illumina Laboratory Services, Illumina
Classification: Likely benign for Mitochondrial trifunctional protein deficiency 1. Last evaluated: 2018-01-12. Review status: criteria provided, single submitter. Criteria: ICSL Variant Classification Criteria 13 December 2019. Collection method: clinical testing. Allele origin: germline.
Comment: This variant was observed in the ICSL laboratory as part of a predisposition screen in an ostensibly healthy population. It had not been previously curated by ICSL or reported in the Human Gene Mutation Database (HGMD: prior to June 1st, 2018), and was therefore a candidate for classification through an automated scoring system. Utilizing variant allele frequency, disease prevalence and penetrance estimates, and inheritance mode, an automated score was calculated to assess if this variant is too frequent to cause the disease. Based on the score and internal cut-off values, a variant classified as likely benign is not then subjected to further curation. The score for this variant resulted in a classification of likely benign for this disease.

Eurofins Ntd Llc (ga)
Classification: Uncertain significance. Last evaluated: 2017-01-09. Review status: criteria provided, single submitter. Criteria: EGL Classification Definitions 2015. Collection method: clinical testing. Allele origin: germline. Observed: 3 variant alleles, 3 heterozygotes.